The following is an entry in ClinVar:

NM_000817.3(GAD1):c.1184+6G>A

Gene: GAD1 (glutamate decarboxylase 1; plus strand). Cytogenetic location: 2q31.1.
Variant type: single nucleotide variant.
Coding change: c.1184+6G>A on transcript NM_000817.3 (MANE Select); 6 bases into the intron after coding-DNA position 1184, G replaced by A.
Molecular consequence: intron variant.
Genome position (GRCh38, 1-based): chr2:170,849,356, G>A. VCF-style: chr2-170849356-G-A. GRCh37 (hg19) VCF-style: chr2-171705866-G-A.
Identifiers: ClinVar variation 893182 (VCV000893182.11), dbSNP rs755825439, ClinGen allele CA1962878.

ClinVar aggregate classification (germline): Uncertain significance. Review status: criteria provided, multiple submitters, no conflicts (2 of 4 stars). 2 submissions from 2 submitters: Uncertain significance (2). Last evaluated 2022-07-01.

Conditions:
Neurodevelopmental disorder with progressive spasticity and brain white matter abnormalities. Also called: CEREBRAL PALSY, SPASTIC QUADRIPLEGIC, 1. Identifiers: Orphanet 210141, Orphanet 641353, MedGen C5436628, MONDO:0033613, OMIM 619026.

Allele frequency attached by ClinVar (database versions not stated): gnomAD 0.00004; gnomAD exomes 0.00002 and 0.00003; ExAC 0.00003; TOPMed 0.00005.
gnomAD v4.1: 34 of 1,613,916 alleles (0.0021%); highest among the groups gnomAD compares: Admixed American, 0.005%; 1 homozygote.

Submissions (2):

Labcorp Genetics (formerly Invitae), Labcorp
Classification: Uncertain significance for Neurodevelopmental disorder with progressive spasticity and brain white matter abnormalities. Last evaluated: 2022-07-01. Review status: criteria provided, single submitter. Criteria: Invitae Variant Classification Sherloc (09022015). Collection method: clinical testing. Allele origin: germline.
Comment: This variant is present in population databases (rs755825439, gnomAD 0.08%). This sequence change falls in intron 12 of the GAD1 gene. It does not directly change the encoded amino acid sequence of the GAD1 protein. It affects a nucleotide within the consensus splice site. This variant has not been reported in the literature in individuals affected with GAD1-related conditions. ClinVar contains an entry for this variant (Variation ID: 893182). Variants that disrupt the consensus splice site are a relatively common cause of aberrant splicing (PMID: 17576681, 9536098). Algorithms developed to predict the effect of sequence changes on RNA splicing suggest that this variant is not likely to affect RNA splicing. In summary, the available evidence is currently insufficient to determine the role of this variant in disease. Therefore, it has been classified as a Variant of Uncertain Significance.

Illumina Laboratory Services, Illumina
Classification: Uncertain significance. Last evaluated: 2018-01-13. Review status: criteria provided, single submitter. Criteria: ICSL Variant Classification Criteria 13 December 2019. Collection method: clinical testing. Allele origin: germline.

Literature cited by the submitters: PubMed 17576681 (cited by Labcorp Genetics (formerly Invitae), Labcorp); PubMed 9536098 (cited by Labcorp Genetics (formerly Invitae), Labcorp).